The following is an entry in ClinVar:

NM_001372106.1(DNAH10):c.6463C>A (p.Arg2155=)

Gene: DNAH10 (dynein axonemal heavy chain 10; plus strand). Cytogenetic location: 12q24.31.
Variant type: single nucleotide variant.
Coding change: c.6463C>A on transcript NM_001372106.1 (MANE Select); coding-DNA position 6463, C replaced by A.
Protein change: p.Arg2155=; no amino-acid change (arginine 2155 retained).
Molecular consequence: synonymous variant.
Genome position (GRCh38, 1-based): chr12:123,857,080, C>A. VCF-style: chr12-123857080-C-A. GRCh37 (hg19) VCF-style: chr12-124341627-C-A.
Other names: c.6109C>A, p.Arg2037= (NM_001083900.1, NM_207437.3).
Identifiers: ClinVar variation 3239043 (VCV003239043.19), dbSNP rs762874547.

ClinVar aggregate classification (germline): Likely benign (1 of 4 stars; one submission).

gnomAD v4.1: 59 of 1,612,202 alleles (0.0037%); highest among the groups gnomAD compares: Non-Finnish European, 0.0044%; no homozygotes.

Submission:

CeGaT Center for Human Genetics Tuebingen
Classification: Likely benign. Last evaluated: 2024-05-01. Review status: criteria provided, single submitter. Criteria: CeGaT Center For Human Genetics Tuebingen Variant Classification Criteria Version 2. Collection method: clinical testing. Allele origin: germline. Affected: yes. Observed: 1 variant allele.
Comment: DNAH10: BP4, BP7